The following is an entry in ClinVar:

ClinVar aggregate classification (germline): Likely benign. Review status: criteria provided, single submitter (1 of 4 stars). 2 submissions from 2 submitters: Likely benign (1). 1 of the submissions does not count toward it. Last evaluated 2023-12-30.

Conditions:
CC2D2A-related disorder. Also called: CC2D2A-related disorders; CC2D2A-related condition. Identifiers: MedGen CN239313.
Joubert syndrome. Also called: JOUBERT-BOLTSHAUSER SYNDROME; Familial aplasia of the vermis. Identifiers: Orphanet 475, MedGen C5979921, MONDO:0018772.
Meckel-Gruber syndrome. Also called: Dysencephalia splachnocystica; DYSENCEPHALIA SPLANCHNOCYSTICA; GRUBER SYNDROME. Identifiers: Orphanet 564, MedGen C0265215, MONDO:0018921.

Allele frequency attached by ClinVar (database versions not stated): gnomAD 0.00001 and 0.00002; gnomAD exomes 0.00001 and 0.00002; ExAC 0.00002; TOPMed 0.00002.
gnomAD v4.1: 19 of 1,612,018 alleles (0.0012%); highest among the groups gnomAD compares: Admixed American, 0.0033%; no homozygotes.

Submissions (2):

Labcorp Genetics (formerly Invitae), Labcorp
Classification: Likely benign for Joubert syndrome; Meckel-Gruber syndrome. Last evaluated: 2023-12-30. Review status: criteria provided, single submitter. Criteria: Invitae Variant Classification Sherloc (09022015). Collection method: clinical testing. Allele origin: germline.

PreventionGenetics, part of Exact Sciences
Classification: Likely benign for CC2D2A-related condition. Last evaluated: 2023-12-12. Review status: no assertion criteria provided. Collection method: clinical testing. Allele origin: germline. Not counted in ClinVar's aggregate classification.
Comment: This variant is classified as likely benign based on ACMG/AMP sequence variant interpretation guidelines (Richards et al. 2015 PMID: 25741868, with internal and published modifications).

NM_001378615.1(CC2D2A):c.3114T>C (p.Asp1038=)

Genes: CC2D2A (coiled-coil and C2 domain containing 2A; plus strand), FBXL5 (F-box and leucine rich repeat protein 5; minus strand). Cytogenetic location: 4p15.32.
Variant type: single nucleotide variant.
Coding change: c.3114T>C on transcript NM_001378615.1 (MANE Select); coding-DNA position 3114, T replaced by C.
Protein change: p.Asp1038=; no amino-acid change (aspartic acid 1038 retained).
Molecular consequence: synonymous variant.
Genome position (GRCh38, 1-based): chr4:15,563,454, T>C. VCF-style: chr4-15563454-T-C. GRCh37 (hg19) VCF-style: chr4-15565077-T-C.
Other names: c.3114T>C, p.Asp1038= (NM_001080522.2); c.2967T>C, p.Asp989= (NM_001378617.1).
Identifiers: ClinVar variation 702914 (VCV000702914.11), dbSNP rs781371086, ClinGen allele CA2864078.
Genomic context (GRCh38, chr4:15,563,454, plus strand): 5'-GCGACCACTGCGGCCAAGGAGAAAAGGTCGGAAGAAGGTGACAGCCCAAAACCTGTCTGA[T>C]GGAGACATAAAGCTGCTGGTGAACATTGTGCGAGCTTACGACATTCCAGTGAGGAAGCCG-3'
Protein context (NP_001365544.1, residues 1028-1048): RKKVTAQNLS[Asp1038=]GDIKLLVNIV